The following is an entry in ClinVar:

NM_000218.3(KCNQ1):c.535G>C (p.Gly179Arg)

Gene: KCNQ1 (potassium voltage-gated channel subfamily Q member 1; plus strand). Cytogenetic location: 11p15.5.
Variant type: single nucleotide variant.
Coding change: c.535G>C on transcript NM_000218.3 (MANE Select); coding-DNA position 535, G replaced by C.
Protein change: p.Gly179Arg; replaces glycine 179 with arginine.
Molecular consequence: missense variant. On other transcripts: intron variant (1).
Genome position (GRCh38, 1-based): chr11:2,570,685, G>C. VCF-style: chr11-2570685-G-C. GRCh37 (hg19) VCF-style: chr11-2591915-G-C.
Other names: p.Gly179Arg; c.535G>C, p.Gly179Arg (NM_001406836.1); c.265G>C, p.Gly89Arg (NM_001406837.1); c.154G>C, p.Gly52Arg (NM_181798.2); c.478-12750G>C (NM_001406838.1); short protein forms G179R, G52R, G89R.
Identifiers: ClinVar variation 2446426 (VCV002446426.2), dbSNP rs199473394, ClinGen allele CA379129898.

ClinVar aggregate classification (germline): Likely pathogenic (1 of 4 stars; one submission).

Conditions:
Long QT syndrome 1 (LQT1). Identifiers: Orphanet 101016, Orphanet 768, MedGen C4551647, MONDO:0100316, OMIM 192500, MONDO:0008646.

Submission:

Petrovsky National Research Centre of Surgery, The Federal Agency for Scientific Organizations
Classification: Likely pathogenic for Long QT syndrome 1. Last evaluated: 2022-09-30. Review status: criteria provided, single submitter. Criteria: ACMG Guidelines, 2015. Collection method: clinical testing. Allele origin: germline. Inheritance: Autosomal dominant inheritance. Affected: yes. Observed: 1 heterozygote.
Comment: This variant is not present in gnomAD database and located in a mutational hot spot and/or critical and well-established functional domain (PM1_strong according to Walsh R. et al. (PMID: 32893267)). Multiple computational resources predict deleterious effect of p.Gly179Arg genetic variant. We assume that the c.535G>C (p.Gly179Arg) variant could be classified as Likely Pathogenic.